The following is an entry in ClinVar:

NM_017654.4(SAMD9):c.2960T>C (p.Leu987Ser)

Gene: SAMD9 (sterile alpha motif domain containing 9; minus strand). Cytogenetic location: 7q21.2.
Variant type: single nucleotide variant.
Coding change: c.2960T>C on transcript NM_017654.4 (MANE Select); coding-DNA position 2960, T replaced by C.
Protein change: p.Leu987Ser; replaces leucine 987 with serine.
Molecular consequence: missense variant.
Genome position (GRCh38, 1-based): chr7:93,103,138, A>G on the plus strand (T>C on the coding strand, the complement: SAMD9 is on the minus strand). VCF-style: chr7-93103138-A-G. GRCh37 (hg19) VCF-style: chr7-92732451-A-G.
Other names: c.2960T>C (NM_017654.3); c.2960T>C, p.Leu987Ser (NM_001193307.2); short protein forms L987S.
Identifiers: ClinVar variation 1675125 (VCV001675125.8), dbSNP rs1290938428, ClinGen allele CA368189158.

ClinVar aggregate classification (germline): Uncertain significance. Review status: criteria provided, multiple submitters, no conflicts (2 of 4 stars). 6 submissions from 6 submitters: Uncertain significance (6). Last evaluated 2026-10-01.

Conditions:
Monosomy 7 myelodysplasia and leukemia syndrome 2. Identifiers: MedGen C5436668, MONDO:0030801, OMIM 619041.
MIRAGE syndrome. Also called: MYELODYSPLASIA, INFECTION, RESTRICTION OF GROWTH, ADRENAL HYPOPLASIA, GENITAL PHENOTYPES, AND ENTEROPATHY. Identifiers: Orphanet 494433, MedGen C4284088, MONDO:0014888, OMIM 617053.
Normophosphatemic familial tumoral calcinosis. Also called: CALCINOSIS, TUMORAL, WITH NORMOPHOSPHATEMIA. Identifiers: Orphanet 306658, Orphanet 53715, MedGen C1864861, MONDO:0012502, OMIM 610455.
Inborn genetic diseases. Identifiers: MedGen C0950123, MeSH D030342.
SAMD9-related disorder. Also called: SAMD9-related condition.

Allele frequency attached by ClinVar (database versions not stated): gnomAD exomes below 0.00001 and 0.00001; gnomAD 0.00001.
gnomAD v4.1: 4 of 1,613,724 alleles (0.00025%); highest among the groups gnomAD compares: Admixed American, 0.005%; no homozygotes.

Submissions (6):

St. Jude Molecular Pathology, St. Jude Children's Research Hospital
Classification: Uncertain significance for Monosomy 7 myelodysplasia and leukemia syndrome 2. Last evaluated: 2026-10-01. Review status: criteria provided, single submitter. Criteria: St. Jude Assertion Criteria 2020. Collection method: clinical testing. Allele origin: germline.
Comment: The SAMD9 c.2960T>C p.(Leu987Ser) missense change has a maximu m subpopulation frequency of 0.006% in gnomAD v2.1.1. The in silico tool REVEL predicts a benign effect on protein function, however in silico predictions have not been found to correlate with syndromic risk and are t hus not considered supporting evidence of a pathogenic or benign effect (PMID: 34621053). To our knowledge, this variant has not been reported in individuals with SAMD9-associated conditions. In summary, the evidence currently available is insufficient t o determine the clinical significance of this variant. It has therefore been classified as of uncertain significance.

Ambry Genetics
Classification: Uncertain significance for Inborn genetic diseases. Last evaluated: 2025-12-20. Review status: criteria provided, single submitter. Criteria: Ambry Variant Classification Scheme 2023. Collection method: clinical testing. Allele origin: germline.
Comment: The p.L987S variant (also known as c.2960T>C), located in coding exon 1 of the SAMD9 gene, results from a T to C substitution at nucleotide position 2960. The leucine at codon 987 is replaced by serine, an amino acid with dissimilar properties. This amino acid position is conserved. In addition, the in silico prediction for this alteration is inconclusive. Based on the available evidence, the clinical significance of this variant remains unclear.

Labcorp Genetics (formerly Invitae), Labcorp
Classification: Uncertain significance. Last evaluated: 2025-12-08. Review status: criteria provided, single submitter. Criteria: Invitae Variant Classification Sherloc (09022015). Collection method: clinical testing. Allele origin: germline.
Comment: This sequence change replaces leucine, which is neutral and non-polar, with serine, which is neutral and polar, at codon 987 of the SAMD9 protein (p.Leu987Ser). This variant is present in population databases (no rsID available, gnomAD 0.006%). This variant has not been reported in the literature in individuals affected with SAMD9-related conditions. ClinVar contains an entry for this variant (Variation ID: 1675125). Invitae Evidence Modeling of protein sequence and biophysical properties (such as structural, functional, and spatial information, amino acid conservation, physicochemical variation, residue mobility, and thermodynamic stability) has been performed for this missense variant. However, the output from this modeling did not meet the statistical confidence thresholds required to predict the impact of this variant on SAMD9 protein function. In summary, the available evidence is currently insufficient to determine the role of this variant in disease. Therefore, it has been classified as a Variant of Uncertain Significance.

GeneDx
Classification: Uncertain significance. Last evaluated: 2024-12-09. Review status: criteria provided, single submitter. Criteria: GeneDx Variant Classification Process June 2021. Collection method: clinical testing. Allele origin: germline. Affected: yes.
Comment: Not observed at significant frequency in large population cohorts (gnomAD); In silico analysis supports that this missense variant has a deleterious effect on protein structure/function; Has not been previously published as pathogenic or benign to our knowledge; This variant is associated with the following publications: (PMID: 28545555)

PreventionGenetics, part of Exact Sciences
Classification: Uncertain significance for SAMD9-related condition. Last evaluated: 2023-07-29. Review status: criteria provided, single submitter. Criteria: ACMG Guidelines, 2015. Collection method: clinical testing. Allele origin: germline.
Comment: The SAMD9 c.2960T>C variant is predicted to result in the amino acid substitution p.Leu987Ser. To our knowledge, this variant has not been reported in the literature. This variant is reported in 0.0058% of alleles in individuals of Latino descent in gnomAD. At this time, the clinical significance of this variant is uncertain due to the absence of conclusive functional and genetic evidence.

Center for Genomics, Ann and Robert H. Lurie Children's Hospital of Chicago
Classification: Uncertain significance for MIRAGE syndrome; Normophosphatemic familial tumoral calcinosis. Review status: criteria provided, single submitter. Criteria: ACMG Guidelines, 2015. Collection method: clinical testing. Allele origin: germline.
Comment: SAMD9 NM_017654.3 exon 3 p.Leu987Ser (c.2960T>C): This variant has not been reported in the literature but is present in 0.006% (1/15270) of Latino alleles in the Genome Aggregation Database. Evolutionary conservation suggests that this variant may not impact the protein; computational predictive tools for this variant are unclear. In summary, data on this variant is insufficient for disease classification. Therefore, the clinical significance of this variant is uncertain.